The following is an entry in ClinVar:

NM_000516.7(GNAS):c.1126T>G (p.Phe376Val)

Gene: GNAS (GNAS complex locus; plus strand). Cytogenetic location: 20q13.32.
Variant type: single nucleotide variant.
Coding change: c.1126T>G on transcript NM_000516.7 (MANE Select); coding-DNA position 1126, T replaced by G.
Protein change: p.Phe376Val; replaces phenylalanine 376 with valine.
Molecular consequence: missense variant. On other transcripts: 3 prime UTR variant (2).
Genome position (GRCh38, 1-based): chr20:58,910,770, T>G. VCF-style: chr20-58910770-T-G. GRCh37 (hg19) VCF-style: chr20-57485825-T-G.
Other names: c.3055T>G, p.Phe1019Val (NM_080425.4); c.1084T>G, p.Phe362Val (NM_080426.4); c.1129T>G, p.Phe377Val (NM_001077488.5); c.1081T>G, p.Phe361Val (NM_001077489.4); c.*987T>G (NM_001077490.3); c.949T>G, p.Phe317Val (NM_001309840.2, NM_001309861.2); c.1030T>G, p.Phe344Val (NM_001410912.1); c.3010T>G, p.Phe1004Val (NM_001410913.1); and 1 more; short protein forms F1004V, F1019V, F317V, F344V, F361V, F362V, F376V, F377V.
Identifiers: ClinVar variation 3898855 (VCV003898855.3).

ClinVar aggregate classification (germline): Pathogenic/Likely pathogenic. Review status: criteria provided, multiple submitters, no conflicts (2 of 4 stars). 2 submissions from 2 submitters: Pathogenic (1); Likely pathogenic (1). Last evaluated 2024-11-11.

Submissions (2):

GeneDx
Classification: Likely pathogenic. Last evaluated: 2024-11-11. Review status: criteria provided, single submitter. Criteria: GeneDx Variant Classification Process June 2021. Collection method: clinical testing. Allele origin: germline. Affected: yes.
Comment: Published functional studies suggest that this variant results in G-protein-coupled receptor specific signaling abnormalities; however additional studies are needed to validate the functional effect of this variant in vivo (PMID: 30312418); Not observed at significant frequency in large population cohorts (gnomAD); In silico analysis supports that this missense variant has a deleterious effect on protein structure/function; This variant is associated with the following publications: (PMID: 30312418)

Institute for Medical Genetics and Human Genetics, Charité - Universitätsmedizin Berlin
Classification: Pathogenic. Review status: criteria provided, single submitter. Criteria: ACMG Guidelines, 2015. Collection method: not provided. Allele origin: germline. Affected: yes.